The following is an entry in ClinVar:

NM_144631.6(ZNF513):c.1143A>G (p.Thr381=)

Gene: ZNF513 (zinc finger protein 513; minus strand). Cytogenetic location: 2p23.3.
Variant type: single nucleotide variant.
Coding change: c.1143A>G on transcript NM_144631.6 (MANE Select); coding-DNA position 1143, A replaced by G.
Protein change: p.Thr381=; no amino-acid change (threonine 381 retained).
Molecular consequence: synonymous variant.
Genome position (GRCh38, 1-based): chr2:27,378,028, T>C on the plus strand (A>G on the coding strand, the complement: ZNF513 is on the minus strand). VCF-style: chr2-27378028-T-C. GRCh37 (hg19) VCF-style: chr2-27600895-T-C.
Other names: c.957A>G, p.Thr319= (NM_001201459.2).
Identifiers: ClinVar variation 763541 (VCV000763541.15), dbSNP rs114454524, ClinGen allele CA1577851.
Genomic context (GRCh38, chr2:27,378,028, plus strand): 5'-ATCCAGATGAGCAGAGGCATAAGGACAGCGGGCGCAGCGGAAGGGCTTCTCACCACTGTG[T>C]GTCTTCATGTGCCGGGCCAGGTGGTTGGGATAGTGAGTGGCAAAGGGGCAGAGGCTACAG-3'
Protein context (NP_653232.3, residues 371-391): YPNHLARHMK[Thr381=]HSGEKPFRCA

ClinVar aggregate classification (germline): Benign/Likely benign. Review status: criteria provided, multiple submitters, no conflicts (2 of 4 stars). 4 submissions from 4 submitters: Benign (2); Likely benign (1). 1 of the submissions does not count toward it. Last evaluated 2026-02-02.

Conditions:
ZNF513-related disorder. Also called: ZNF513-related condition.

Allele frequency attached by ClinVar (database versions not stated): ExAC 0.00017; ESP Exome Variant Server 0.00046; gnomAD exomes 0.00006 and 0.00014; TOPMed 0.00060; gnomAD 0.00063 and 0.00066; 1000 Genomes Project 0.00100; 1000 Genomes Project 30x 0.00109.

Submissions (4):

Labcorp Genetics (formerly Invitae), Labcorp
Classification: Benign. Last evaluated: 2026-02-02. Review status: criteria provided, single submitter. Criteria: Invitae Variant Classification Sherloc (09022015). Collection method: clinical testing. Allele origin: germline.

Blueprint Genetics
Classification: Likely benign. Last evaluated: 2024-10-07. Review status: criteria provided, single submitter. Criteria: ACMG Guidelines, 2015. Collection method: clinical testing. Allele origin: germline.

Breakthrough Genomics
Classification: Benign. Review status: criteria provided, single submitter. Criteria: ACMG Guidelines, 2015. Collection method: not provided. Allele origin: germline. Inheritance: Autosomal recessive inheritance. Affected: yes.

PreventionGenetics, part of Exact Sciences
Classification: Likely benign for ZNF513-related condition. Last evaluated: 2019-09-20. Review status: no assertion criteria provided. Collection method: clinical testing. Allele origin: germline. Not counted in ClinVar's aggregate classification.
Comment: This variant is classified as likely benign based on ACMG/AMP sequence variant interpretation guidelines (Richards et al. 2015 PMID: 25741868, with internal and published modifications).